The following is an entry in ClinVar:

NM_000059.4(BRCA2):c.517-20A>G

Gene: BRCA2 (BRCA2 DNA repair associated; plus strand). Cytogenetic location: 13q13.1.
Variant type: single nucleotide variant.
Coding change: c.517-20A>G on transcript NM_000059.4 (MANE Select); 20 bases into the intron before coding-DNA position 517, A replaced by G.
Molecular consequence: intron variant.
Genome position (GRCh38, 1-based): chr13:32,326,479, A>G. VCF-style: chr13-32326479-A-G. GRCh37 (hg19) VCF-style: chr13-32900616-A-G.
Identifiers: ClinVar variation 491289 (VCV000491289.20), dbSNP rs1555281029, ClinGen allele CA658683816.

ClinVar aggregate classification (germline): Likely benign. Review status: criteria provided, multiple submitters, no conflicts (2 of 4 stars). 4 submissions from 4 submitters: Likely benign (4). Last evaluated 2025-04-30.

Conditions:
Hereditary cancer-predisposing syndrome. Also called: Hereditary neoplastic syndrome; Tumor predisposition; Hereditary Cancer Syndrome; Neoplastic Syndromes, Hereditary. Identifiers: Orphanet 140162, MedGen C0027672, MeSH D009386, MONDO:0015356.
Hereditary breast ovarian cancer syndrome. Also called: Hereditary breast and/or ovarian cancer syndrome; BRCA1- and BRCA2-Associated Hereditary Breast and Ovarian Cancer; Breast and ovarian cancer; Hereditary breast and ovarian cancer; Hereditary breast and ovarian cancer syndrome; Hereditary breast and ovarian cancer syndrome (HBOC). Identifiers: Orphanet 145, MedGen C0677776, MeSH D061325, MONDO:0003582. Disease mechanism: loss of function.

Allele frequency attached by ClinVar (database versions not stated): gnomAD exomes below 0.00001.
gnomAD v4.1: 5 of 1,554,354 alleles (0.00032%); highest among the groups gnomAD compares: Non-Finnish European, 0.00044%; no homozygotes.

Submissions (4):

Labcorp Genetics (formerly Invitae), Labcorp
Classification: Likely benign for Hereditary breast ovarian cancer syndrome. Last evaluated: 2025-04-30. Review status: criteria provided, single submitter. Criteria: Invitae Variant Classification Sherloc (09022015). Collection method: clinical testing. Allele origin: germline.

Center for Genomic Medicine, Rigshospitalet, Copenhagen University Hospital
Classification: Likely benign. Last evaluated: 2025-03-04. Review status: criteria provided, single submitter. Criteria: ACMG Guidelines, 2015. Collection method: clinical testing. Allele origin: germline.

Color Diagnostics, LLC DBA Color Health
Classification: Likely benign for Hereditary cancer-predisposing syndrome. Last evaluated: 2017-11-03. Review status: criteria provided, single submitter. Criteria: ACMG Guidelines, 2015. Collection method: clinical testing. Allele origin: germline.

Women's Health and Genetics/Laboratory Corporation of America, LabCorp
Classification: Likely benign. Last evaluated: 2017-09-18. Review status: criteria provided, single submitter. Criteria: LabCorp Variant Classification Summary - May 2015. Collection method: clinical testing. Allele origin: germline.
Comment: Variant summary: The BRCA2 c.517-20A>G variant involves the alteration of a non-conserved intronic nucleotide. One in silico tool predicts a damaging outcome for this variant. 5/5 splice prediction tools predict no significant impact on normal splicing, which has been confirmed by a functional study (Thery_2011). This variant is absent in 117264 control chromosomes. Taken together, this variant is classified as Likely Benign.

Literature cited by the submitters: PubMed 21673748 (cited by Center for Genomic Medicine, Rigshospitalet, Copenhagen University Hospital and Women's Health and Genetics/Laboratory Corporation of America, LabCorp); PubMed 23893897 (cited by Women's Health and Genetics/Laboratory Corporation of America, LabCorp).